The following is an entry in ClinVar:

ClinVar aggregate classification (germline): Uncertain significance (1 of 4 stars; one submission).

Conditions:
Baller-Gerold syndrome (BGS). Also called: CRANIOSYNOSTOSIS WITH RADIAL DEFECTS. Identifiers: Orphanet 1225, MedGen C0265308, MONDO:0009039, OMIM 218600.

Allele frequency attached by ClinVar (database versions not stated): TOPMed below 0.00001; gnomAD 0.00001.

Submission:

Labcorp Genetics (formerly Invitae), Labcorp
Classification: Uncertain significance for Baller-Gerold syndrome. Last evaluated: 2023-12-08. Review status: criteria provided, single submitter. Criteria: Invitae Variant Classification Sherloc (09022015). Collection method: clinical testing. Allele origin: germline.
Comment: This sequence change replaces leucine, which is neutral and non-polar, with arginine, which is basic and polar, at codon 610 of the RECQL4 protein (p.Leu610Arg). This variant is not present in population databases (gnomAD no frequency). This variant has not been reported in the literature in individuals affected with RECQL4-related conditions. Advanced modeling of protein sequence and biophysical properties (such as structural, functional, and spatial information, amino acid conservation, physicochemical variation, residue mobility, and thermodynamic stability) performed at Invitae indicates that this missense variant is expected to disrupt RECQL4 protein function with a positive predictive value of 80%. In summary, the available evidence is currently insufficient to determine the role of this variant in disease. Therefore, it has been classified as a Variant of Uncertain Significance.

NM_004260.4(RECQL4):c.1829T>G (p.Leu610Arg)

Gene: RECQL4 (RecQ like helicase 4; minus strand). Cytogenetic location: 8q24.3.
Variant type: single nucleotide variant.
Coding change: c.1829T>G on transcript NM_004260.4 (MANE Select); coding-DNA position 1829, T replaced by G.
Protein change: p.Leu610Arg; replaces leucine 610 with arginine.
Molecular consequence: missense variant. On other transcripts: non-coding transcript variant (3), intron variant (3).
Genome position (GRCh38, 1-based): chr8:144,514,238, A>C on the plus strand (T>G on the coding strand, the complement: RECQL4 is on the minus strand). VCF-style: chr8-144514238-A-C. GRCh37 (hg19) VCF-style: chr8-145739622-A-C.
Other names: c.758T>G, p.Leu253Arg (NM_001413040.1, NM_001413034.1, NM_001413038.1 and 6 more transcripts); c.692T>G, p.Leu231Arg (NM_001413041.1, NM_001413030.1, NM_001413032.1 and 1 more transcripts); c.728T>G, p.Leu243Arg (NM_001413042.1); c.1799T>G, p.Leu600Arg (NM_001413039.1); c.1829T>G, p.Leu610Arg (NM_001413036.1, NM_001413018.1, NM_001413019.1); c.1733T>G, p.Leu578Arg (NM_001413017.1, NM_001413020.1); c.1700T>G, p.Leu567Arg (NM_001413025.1); c.1478T>G, p.Leu493Arg (NM_001413029.1); and 4 more; short protein forms L121R, L231R, L493R, L567R, L578R, L600R, L243R, L253R.
Identifiers: ClinVar variation 2701417 (VCV002701417.3), dbSNP rs929183773, ClinGen allele CA187684933.
Genomic context (GRCh38, chr8:144,514,238, plus strand): 5'-ATATGGCTCACCTTGCAGACGCGCAGGTAGCAGGGCCGGAAGTTGTGGGACCACTGGGAG[A>C]GGCAGTGGGCCTCATCAATGCAGGCAAAAGCAACTGGAGGCAGCTGTGCGGCTGGAGGGA-3'
Protein context (NP_004251.4, residues 600-620): AFACIDEAHC[Leu610Arg]SQWSHNFRPC